The following is an entry in ClinVar:

NM_005491.5(MAMLD1):c.*33G>T

Gene: MAMLD1 (mastermind like domain containing 1; plus strand). Cytogenetic location: Xq28.
Variant type: single nucleotide variant.
Coding change: c.*33G>T on transcript NM_005491.5 (MANE Select); 33 bases downstream of the stop codon, G replaced by T.
Molecular consequence: 3 prime UTR variant. On other transcripts: missense variant (2).
Genome position (GRCh38, 1-based): chrX:150,510,035, G>T. VCF-style: chrX-150510035-G-T. GRCh37 (hg19) VCF-style: chrX-149678305-G-T.
Other names: c.1916G>T, p.Ser639Ile (NM_001177465.3); c.*33G>T (NM_001177466.3, NM_001400513.1, NM_001400514.1 and 1 more transcripts); c.1991G>T, p.Ser664Ile (NM_001400512.1); short protein forms S639I, S664I.
Identifiers: ClinVar variation 161551 (VCV000161551.3), dbSNP rs193920839, ClinGen allele CA174321.
Genomic context (GRCh38, chrX:150,510,035, plus strand): 5'-GATCAGGTCTTATGGCAATGACCCCTGAACGGCAGAATGCATATATCTCCCAACAGATGA[G>T]TCCATTTGAAGGTAAGCAGTTAAGGCCAGTGTTCCCAAAGGGGTGGGCAAGGGGTGCATA-3'

ClinVar aggregate classification (germline): Uncertain significance (0 of 4 stars; one submission).

Conditions:
Prostate cancer. Also called: Malignant tumor of prostate. Identifiers: Orphanet 1331, MedGen C0376358, MONDO:0008315, HP:0012125.

Submission:

Science for Life laboratory,  Karolinska Institutet
Classification: Uncertain significance for Malignant tumor of prostate. Review status: no assertion criteria provided. Collection method: not provided. Allele origin: somatic.
Comment: TumorID:SWE-14
ClinVar note: Converted during submission from Unknown to Uncertain significance.